The following is an entry in ClinVar:

NM_002029.4(FPR1):c.409C>T (p.Arg137Cys)

Gene: FPR1 (formyl peptide receptor 1; minus strand). Cytogenetic location: 19q13.41.
Variant type: single nucleotide variant.
Coding change: c.409C>T on transcript NM_002029.4 (MANE Select); coding-DNA position 409, C replaced by T.
Protein change: p.Arg137Cys; replaces arginine 137 with cysteine.
Molecular consequence: missense variant.
Genome position (GRCh38, 1-based): chr19:51,746,586, G>A on the plus strand (C>T on the coding strand, the complement: FPR1 is on the minus strand). VCF-style: chr19-51746586-G-A. GRCh37 (hg19) VCF-style: chr19-52249839-G-A.
Other names: c.409C>T, p.Arg137Cys (NM_001193306.2); short protein forms R137C.
Identifiers: ClinVar variation 575041 (VCV000575041.10), dbSNP rs139132326, ClinGen allele CA9616471.

ClinVar aggregate classification (germline): Uncertain significance (1 of 4 stars; one submission).

Conditions:
Gingival disorder. Also called: Gingival disease. Identifiers: MedGen C0017563, MONDO:0002021.

Allele frequency attached by ClinVar (database versions not stated): ExAC 0.00002; gnomAD 0.00002; gnomAD exomes 0.00002; TOPMed 0.00003; ESP Exome Variant Server 0.00008.

Submission:

Labcorp Genetics (formerly Invitae), Labcorp
Classification: Uncertain significance for Gingival disorder. Last evaluated: 2026-02-01. Review status: criteria provided, single submitter. Criteria: Invitae Variant Classification Sherloc (09022015). Collection method: clinical testing. Allele origin: germline.
Comment: This sequence change replaces arginine, which is basic and polar, with cysteine, which is neutral and slightly polar, at codon 137 of the FPR1 protein (p.Arg137Cys). This variant is present in population databases (rs139132326, gnomAD 0.008%). This variant has not been reported in the literature in individuals affected with FPR1-related conditions. ClinVar contains an entry for this variant (Variation ID: 575041). An algorithm developed to predict the effect of missense changes on protein structure and function (PolyPhen-2) suggests that this variant is likely to be disruptive. In summary, the available evidence is currently insufficient to determine the role of this variant in disease. Therefore, it has been classified as a Variant of Uncertain Significance.